The following is an entry in ClinVar:

ClinVar aggregate classification (germline): Uncertain significance. Review status: criteria provided, multiple submitters, no conflicts (2 of 4 stars). 2 submissions from 2 submitters: Uncertain significance (2). Last evaluated 2025-02-25.

Conditions:
Inborn genetic diseases. Identifiers: MedGen C0950123, MeSH D030342.

Allele frequency attached by ClinVar (database versions not stated): gnomAD 0.00002; gnomAD exomes 0.00002 and 0.00007; TOPMed 0.00002.
gnomAD v4.1: 107 of 1,586,842 alleles (0.0067%); highest among the groups gnomAD compares: Middle Eastern, 0.017%; no homozygotes.

Submissions (2):

Ambry Genetics
Classification: Uncertain significance for Inborn genetic diseases. Last evaluated: 2025-02-25. Review status: criteria provided, single submitter. Criteria: Ambry Variant Classification Scheme 2023. Collection method: clinical testing. Allele origin: germline.

Labcorp Genetics (formerly Invitae), Labcorp
Classification: Uncertain significance. Last evaluated: 2022-07-29. Review status: criteria provided, single submitter. Criteria: Invitae Variant Classification Sherloc (09022015). Collection method: clinical testing. Allele origin: germline.
Comment: In summary, the available evidence is currently insufficient to determine the role of this variant in disease. Therefore, it has been classified as a Variant of Uncertain Significance. Algorithms developed to predict the effect of missense changes on protein structure and function output the following: SIFT: "Not Available"; PolyPhen-2: "Benign"; Align-GVGD: "Not Available". The glycine amino acid residue is found in multiple mammalian species, which suggests that this missense change does not adversely affect protein function. ClinVar contains an entry for this variant (Variation ID: 1399072). This variant has not been reported in the literature in individuals affected with MYO18B-related conditions. This variant is present in population databases (rs748385675, gnomAD 0.008%). This sequence change replaces valine, which is neutral and non-polar, with glycine, which is neutral and non-polar, at codon 746 of the MYO18B protein (p.Val746Gly).

NM_032608.7(MYO18B):c.2237T>G (p.Val746Gly)

Gene: MYO18B (myosin XVIIIB; plus strand). Cytogenetic location: 22q12.1.
Variant type: single nucleotide variant.
Coding change: c.2237T>G on transcript NM_032608.7 (MANE Select); coding-DNA position 2237, T replaced by G.
Protein change: p.Val746Gly; replaces valine 746 with glycine.
Molecular consequence: missense variant.
Genome position (GRCh38, 1-based): chr22:25,781,759, T>G. VCF-style: chr22-25781759-T-G. GRCh37 (hg19) VCF-style: chr22-26177726-T-G.
Other names: c.2237T>G, p.Val746Gly (NM_001318245.2); c.2237T>G (NM_032608.5); short protein forms V746G.
Identifiers: ClinVar variation 1399072 (VCV001399072.7), dbSNP rs748385675, ClinGen allele CA10160105.